The following is an entry in ClinVar:

NM_003673.4(TCAP):c.110+2T>C

Gene: TCAP (titin-cap; plus strand). Cytogenetic location: 17q12.
Variant type: single nucleotide variant.
Coding change: c.110+2T>C on transcript NM_003673.4 (MANE Select); the canonical splice donor site of the intron after coding-DNA position 110, T replaced by C.
Molecular consequence: splice donor variant.
Genome position (GRCh38, 1-based): chr17:39,665,471, T>C. VCF-style: chr17-39665471-T-C. GRCh37 (hg19) VCF-style: chr17-37821724-T-C.
Identifiers: ClinVar variation 2023376 (VCV002023376.4), dbSNP rs2543737997, ClinGen allele CA399303266.
Genomic context (GRCh38, chr17:39,665,471, plus strand): 5'-CGGGAGGCCTTCTGGGCAGAATGGAAGGATCTGACACTGTCCACACGGCCCGAGGAGGGG[T>C]GAGTGTGGGTCTGCTAGAGCCCTGCCTCTGCTCCCCCAGAGCACCCTCACTGAGCCATGA-3'

ClinVar aggregate classification (germline): Pathogenic (1 of 4 stars; one submission).

Conditions:
Hypertrophic cardiomyopathy 25 (CMH25). Also called: CARDIOMYOPATHY, FAMILIAL HYPERTROPHIC, 25. Identifiers: MedGen C4225408, MONDO:0011843, OMIM 607487.
Primary familial hypertrophic cardiomyopathy (HCM). Identifiers: Orphanet 99739, MedGen C0949658, MeSH D024741, MONDO:0024573. Inheritance: Various modes of inheritance.

Submission:

Labcorp Genetics (formerly Invitae), Labcorp
Classification: Pathogenic for Hypertrophic cardiomyopathy 25; Primary familial hypertrophic cardiomyopathy. Last evaluated: 2022-08-10. Review status: criteria provided, single submitter. Criteria: Invitae Variant Classification Sherloc (09022015). Collection method: clinical testing. Allele origin: germline.
Comment: For these reasons, this variant has been classified as Pathogenic. This variant disrupts a region of the TCAP protein in which other variant(s) (p.Cys57*) have been determined to be pathogenic (Invitae). This suggests that this is a clinically significant region of the protein, and that variants that disrupt it are likely to be disease-causing. Variants that disrupt the consensus splice site are a relatively common cause of aberrant splicing (PMID: 17576681, 9536098). Algorithms developed to predict the effect of sequence changes on RNA splicing suggest that this variant may disrupt the consensus splice site. This variant has not been reported in the literature in individuals affected with TCAP-related conditions. This variant is not present in population databases (gnomAD no frequency). This sequence change affects a donor splice site in intron 1 of the TCAP gene. While this variant is not anticipated to result in nonsense mediated decay, it likely alters RNA splicing and results in a disrupted protein product.

Literature cited by the submitters: PubMed 17576681; PubMed 9536098.